The following is an entry in ClinVar:

ClinVar aggregate classification (germline): Uncertain significance. Review status: criteria provided, multiple submitters, no conflicts (2 of 4 stars). 2 submissions from 2 submitters: Uncertain significance (2). Last evaluated 2024-12-11.

Conditions:
Inborn genetic diseases. Identifiers: MedGen C0950123, MeSH D030342.

Allele frequency attached by ClinVar (database versions not stated): ExAC 0.00009.
gnomAD v4.1: 176 of 1,598,966 alleles (0.011%); highest among the groups gnomAD compares: South Asian, 0.029%; no homozygotes.

Submissions (2):

Ambry Genetics
Classification: Uncertain significance for Inborn genetic diseases. Last evaluated: 2024-12-11. Review status: criteria provided, single submitter. Criteria: Ambry Variant Classification Scheme 2023. Collection method: clinical testing. Allele origin: germline.

Labcorp Genetics (formerly Invitae), Labcorp
Classification: Uncertain significance. Last evaluated: 2024-10-15. Review status: criteria provided, single submitter. Criteria: Invitae Variant Classification Sherloc (09022015). Collection method: clinical testing. Allele origin: germline.
Comment: This sequence change replaces glutamic acid, which is acidic and polar, with lysine, which is basic and polar, at codon 1635 of the DOCK6 protein (p.Glu1635Lys). This variant is present in population databases (rs529163725, gnomAD 0.03%). This variant has not been reported in the literature in individuals affected with DOCK6-related conditions. ClinVar contains an entry for this variant (Variation ID: 2421383). Invitae Evidence Modeling of protein sequence and biophysical properties (such as structural, functional, and spatial information, amino acid conservation, physicochemical variation, residue mobility, and thermodynamic stability) has been performed for this missense variant. However, the output from this modeling did not meet the statistical confidence thresholds required to predict the impact of this variant on DOCK6 protein function. In summary, the available evidence is currently insufficient to determine the role of this variant in disease. Therefore, it has been classified as a Variant of Uncertain Significance.

NM_020812.4(DOCK6):c.4903G>A (p.Glu1635Lys)

Genes: DOCK6 (dedicator of cytokinesis 6; minus strand), DOCK6-AS1 (DOCK6 antisense RNA 1; plus strand). Cytogenetic location: 19p13.2.
Variant type: single nucleotide variant.
Coding change: c.4903G>A on transcript NM_020812.4 (MANE Select); coding-DNA position 4903, G replaced by A.
Protein change: p.Glu1635Lys; replaces glutamic acid 1635 with lysine.
Molecular consequence: missense variant.
Genome position (GRCh38, 1-based): chr19:11,208,952, C>T on the plus strand (G>A on the coding strand, the complement: DOCK6 is on the minus strand). VCF-style: chr19-11208952-C-T. GRCh37 (hg19) VCF-style: chr19-11319628-C-T.
Other names: c.5008G>A, p.Glu1670Lys (NM_001367830.1); c.4903G>A (NM_020812.2); short protein forms E1635K, E1670K.
Identifiers: ClinVar variation 2421383 (VCV002421383.6), dbSNP rs529163725, ClinGen allele CA9206695.
Genomic context (GRCh38, chr19:11,208,952, plus strand): 5'-CCAACCCCTGGCCACTCACCTGGAAGGAAACGCAGCCCACGGGCAGGTGGCGGTGGTCCT[C>T]GAGCAGGGCGAGGTACTCAGCCACGAGGGCGGCCGCGTGCACCATGCACTGGGCGGCCTC-3'
Protein context (NP_065863.2, residues 1625-1645): ALVAEYLALL[Glu1635Lys]DHRHLPVGCV